The following is an entry in ClinVar:

ClinVar aggregate classification (germline): Uncertain significance (1 of 4 stars; one submission).

Submission:

GeneDx
Classification: Uncertain significance. Last evaluated: 2025-07-07. Review status: criteria provided, single submitter. Criteria: GeneDx Variant Classification Process June 2021. Collection method: clinical testing. Allele origin: germline. Affected: yes.
Comment: Not observed at significant frequency in large population cohorts (gnomAD); In silico analysis suggests that this missense variant does not alter protein structure/function; Has not been previously published as pathogenic or benign to our knowledge

NM_152641.4(ARID2):c.2052T>G (p.Ile684Met)

Gene: ARID2 (AT-rich interaction domain 2; plus strand). Cytogenetic location: 12q12.
Variant type: single nucleotide variant.
Coding change: c.2052T>G on transcript NM_152641.4 (MANE Select); coding-DNA position 2052, T replaced by G.
Protein change: p.Ile684Met; replaces isoleucine 684 with methionine.
Molecular consequence: missense variant.
Genome position (GRCh38, 1-based): chr12:45,850,175, T>G. VCF-style: chr12-45850175-T-G. GRCh37 (hg19) VCF-style: chr12-46243958-T-G.
Other names: c.2052T>G, p.Ile684Met (NM_001347839.2); short protein forms I684M.
Identifiers: ClinVar variation 4685200 (VCV004685200.1).
Genomic context (GRCh38, chr12:45,850,175, plus strand): 5'-AACACAAATGTCTTTTCCTGTACAAGGTGTTCATACTGTGGCACAAACTGTTTCAAGAAT[T>G]CCACAAAATCCTTCACCTCATACCCACCAGCAACAAAATGCTCCAGTGACTGTCATTCAA-3'
Protein context (NP_689854.2, residues 674-694): VHTVAQTVSR[Ile684Met]PQNPSPHTHQ